The following is an entry in ClinVar:

NM_004656.4(BAP1):c.1970G>A (p.Arg657Lys)

Gene: BAP1 (BRCA1 associated deubiquitinase 1; minus strand). Cytogenetic location: 3p21.1.
Variant type: single nucleotide variant.
Coding change: c.1970G>A on transcript NM_004656.4 (MANE Select); coding-DNA position 1970, G replaced by A.
Protein change: p.Arg657Lys; replaces arginine 657 with lysine.
Molecular consequence: missense variant.
Genome position (GRCh38, 1-based): chr3:52,402,792, C>T on the plus strand (G>A on the coding strand, the complement: BAP1 is on the minus strand). VCF-style: chr3-52402792-C-T. GRCh37 (hg19) VCF-style: chr3-52436808-C-T.
Other names: c.1970G>A (NM_004656.2); short protein forms R657K.
Identifiers: ClinVar variation 490828 (VCV000490828.14), dbSNP rs1482658944, ClinGen allele CA353096501.

ClinVar aggregate classification (germline): Uncertain significance. Review status: criteria provided, multiple submitters, no conflicts (2 of 4 stars). 3 submissions from 3 submitters: Uncertain significance (3). Last evaluated 2025-12-03.

Conditions:
Hereditary cancer-predisposing syndrome. Also called: Hereditary Cancer Syndrome; Neoplastic Syndromes, Hereditary; Tumor predisposition; Hereditary neoplastic syndrome. Identifiers: Orphanet 140162, MedGen C0027672, MeSH D009386, MONDO:0015356.
BAP1-related tumor predisposition syndrome (TPDS1). Also called: Tumor susceptibility linked to germline BAP1 mutations; BAP1 tumor predisposition syndrome; COMMON Syndrome; TUMOR PREDISPOSITION SYNDROME 1. Identifiers: Orphanet 289539, MedGen C3280492, MONDO:0013692, OMIM 614327.

Allele frequency attached by ClinVar (database versions not stated): gnomAD exomes below 0.00001.
gnomAD v4.1: 2 of 1,614,232 alleles (0.00012%); highest among the groups gnomAD compares: South Asian, 0.0011%; no homozygotes.

Submissions (3):

Labcorp Genetics (formerly Invitae), Labcorp
Classification: Uncertain significance for BAP1-related tumor predisposition syndrome. Last evaluated: 2025-12-03. Review status: criteria provided, single submitter. Criteria: Invitae Variant Classification Sherloc (09022015). Collection method: clinical testing. Allele origin: germline.
Comment: This sequence change replaces arginine, which is basic and polar, with lysine, which is basic and polar, at codon 657 of the BAP1 protein (p.Arg657Lys). This variant is present in population databases (no rsID available, gnomAD 0.003%). This variant has not been reported in the literature in individuals affected with BAP1-related conditions. ClinVar contains an entry for this variant (Variation ID: 490828). Invitae Evidence Modeling of protein sequence and biophysical properties (such as structural, functional, and spatial information, amino acid conservation, physicochemical variation, residue mobility, and thermodynamic stability) has been performed for this missense variant. However, the output from this modeling did not meet the statistical confidence thresholds required to predict the impact of this variant on BAP1 protein function. In summary, the available evidence is currently insufficient to determine the role of this variant in disease. Therefore, it has been classified as a Variant of Uncertain Significance.

Ambry Genetics
Classification: Uncertain significance for Hereditary cancer-predisposing syndrome. Last evaluated: 2024-04-27. Review status: criteria provided, single submitter. Criteria: Ambry Variant Classification Scheme 2023. Collection method: clinical testing. Allele origin: germline.
Comment: The p.R657K variant (also known as c.1970G>A), located in coding exon 15 of the BAP1 gene, results from a G to A substitution at nucleotide position 1970. The arginine at codon 657 is replaced by lysine, an amino acid with highly similar properties. This amino acid position is conserved. In addition, the in silico prediction for this alteration is inconclusive. Based on the available evidence, the clinical significance of this variant remains unclear.

Color Diagnostics, LLC DBA Color Health
Classification: Uncertain significance for Hereditary cancer-predisposing syndrome. Last evaluated: 2023-12-05. Review status: criteria provided, single submitter. Criteria: ACMG Guidelines, 2015. Collection method: clinical testing. Allele origin: germline.
Comment: This missense variant replaces arginine with lysine at codon 657 of the BAP1 protein. Computational prediction suggests that this variant may not impact protein structure and function (internally defined REVEL score threshold <= 0.5, PMID: 27666373). To our knowledge, functional studies have not been reported for this variant. This variant has not been reported in individuals affected with BAP1-related disorders in the literature. This variant has been identified in 1/251496 chromosomes in the general population by the Genome Aggregation Database (gnomAD). The available evidence is insufficient to determine the role of this variant in disease conclusively. Therefore, this variant is classified as a Variant of Uncertain Significance.